The following is an entry in ClinVar:

NM_000302.4(PLOD1):c.897G>A (p.Pro299=)

Gene: PLOD1 (procollagen-lysine,2-oxoglutarate 5-dioxygenase 1; plus strand). Cytogenetic location: 1p36.22.
Variant type: single nucleotide variant.
Coding change: c.897G>A on transcript NM_000302.4 (MANE Select); coding-DNA position 897, G replaced by A.
Protein change: p.Pro299=; no amino-acid change (proline 299 retained).
Molecular consequence: synonymous variant.
Genome position (GRCh38, 1-based): chr1:11,958,569, G>A. VCF-style: chr1-11958569-G-A. GRCh37 (hg19) VCF-style: chr1-12018626-G-A.
Other names: p.Pro299=; c.1038G>A, p.Pro346= (NM_001316320.2).
Identifiers: ClinVar variation 459834 (VCV000459834.65), dbSNP rs199946373, ClinGen allele CA598190.

ClinVar aggregate classification (germline): Conflicting classifications of pathogenicity. Review status: criteria provided, conflicting classifications (1 of 4 stars). 9 submissions from 9 submitters: Uncertain significance (1); Likely benign (7). 1 of the submissions does not count toward it. Last evaluated 2026-01-27.

Conditions:
PLOD1-related disorder. Also called: PLOD1-related condition.
Ehlers-Danlos syndrome (EDS). Identifiers: Orphanet 98249, MedGen C0013720, MONDO:0020066.
Familial thoracic aortic aneurysm and aortic dissection (TAAD). Also called: Thoracic aortic aneurysms and dissections. Identifiers: Orphanet 91387, MedGen C4707243, MONDO:0019625.
Ehlers-Danlos syndrome, kyphoscoliotic type 1 (EDSKSCL1). Also called: Ehlers-Danlos syndrome, hydroxylysine-deficient; EHLERS-DANLOS SYNDROME, OCULAR-SCOLIOTIC TYPE; PLOD1-Related Kyphoscoliotic Ehlers-Danlos Syndrome; EHLERS-DANLOS SYNDROME, TYPE VIA. Identifiers: Orphanet 1900, MedGen C0268342, MONDO:0016002, OMIM 225400. Disease mechanism: loss of function.

Allele frequency attached by ClinVar (database versions not stated): ESP Exome Variant Server 0.00008; gnomAD 0.00015; 1000 Genomes Project 30x 0.00016; gnomAD exomes 0.00016 and 0.00030; ExAC 0.00019; TOPMed 0.00019; 1000 Genomes Project 0.00020.
gnomAD v4.1: 291 of 1,614,000 alleles (0.018%); highest among the groups gnomAD compares: Middle Eastern, 0.017%; 1 homozygote.

Submissions (9):

Labcorp Genetics (formerly Invitae), Labcorp
Classification: Likely benign for Ehlers-Danlos syndrome, kyphoscoliotic type 1. Last evaluated: 2026-01-27. Review status: criteria provided, single submitter. Criteria: Invitae Variant Classification Sherloc (09022015). Collection method: clinical testing. Allele origin: germline.

Mayo Clinic Laboratories, Mayo Clinic
Classification: Likely benign. Last evaluated: 2025-07-19. Review status: criteria provided, single submitter. Criteria: ACMG Guidelines, 2015. Collection method: clinical testing. Allele origin: germline. Observed: 3 variant alleles.
Comment: BS1, BP4, BP7

Blueprint Genetics
Classification: Likely benign. Last evaluated: 2023-12-11. Review status: criteria provided, single submitter. Criteria: ACMG Guidelines, 2015. Collection method: clinical testing. Allele origin: germline.

Women's Health and Genetics/Laboratory Corporation of America, LabCorp
Classification: Likely benign. Last evaluated: 2023-07-21. Review status: criteria provided, single submitter. Criteria: LabCorp Variant Classification Summary - May 2015. Collection method: clinical testing. Allele origin: germline.

Genome Diagnostics Laboratory, The Hospital for Sick Children
Classification: Likely benign for Ehlers-Danlos syndrome. Last evaluated: 2020-05-01. Review status: criteria provided, single submitter. Criteria: ACMG Guidelines, 2015. Collection method: clinical testing. Allele origin: germline.

GeneDx
Classification: Likely benign. Last evaluated: 2020-03-24. Review status: criteria provided, single submitter. Criteria: GeneDx Variant Classification (06012015). Collection method: clinical testing. Allele origin: germline. Affected: yes.

Illumina Laboratory Services, Illumina
Classification: Uncertain significance for Ehlers-Danlos syndrome, kyphoscoliotic type 1. Last evaluated: 2018-03-30. Review status: criteria provided, single submitter. Criteria: ICSL Variant Classification Criteria 13 December 2019. Collection method: clinical testing. Allele origin: germline.

Ambry Genetics
Classification: Likely benign for Familial thoracic aortic aneurysm and aortic dissection. Last evaluated: 2016-04-07. Review status: criteria provided, single submitter. Criteria: Ambry Variant Classification Scheme 2023. Collection method: clinical testing. Allele origin: germline.

PreventionGenetics, part of Exact Sciences
Classification: Likely benign for PLOD1-related condition. Last evaluated: 2020-05-07. Review status: no assertion criteria provided. Collection method: clinical testing. Allele origin: germline. Not counted in ClinVar's aggregate classification.
Comment: This variant is classified as likely benign based on ACMG/AMP sequence variant interpretation guidelines (Richards et al. 2015 PMID: 25741868, with internal and published modifications).